The following is an entry in ClinVar:

ClinVar aggregate classification (germline): Likely pathogenic (1 of 4 stars; one submission).

Conditions:
Hypohidrotic X-linked ectodermal dysplasia (XHED). Also called: Ectodermal Dysplasia 1, Anhidrotic; Christ-Siemans-Touraine syndrome; ECTODERMAL DYSPLASIA, HYPOHIDROTIC, 1; CST SYNDROME; ECTODERMAL DYSPLASIA 1; Anhidrotic ectodermal dysplasia X-linked. Identifiers: Orphanet 181, Orphanet 238468, MedGen C0162359, MONDO:0010585, OMIM 305100.

Submission:

3billion
Classification: Likely pathogenic for Hypohidrotic X-linked ectodermal dysplasia. Last evaluated: 2025-09-19. Review status: criteria provided, single submitter. Criteria: ACMG Guidelines, 2015. Collection method: clinical testing. Allele origin: germline. Affected: yes.
Comment: The variant is not observed in the gnomAD v4.1.0 dataset. Predicted Consequence/Location: Frameshift: predicted to result in a loss or disruption of normal protein function through nonsense-mediated decay (NMD) or protein truncation. Multiple pathogenic variants are reported downstream of the variant. Therefore, this variant is classified as Likely pathogenic according to the recommendation of ACMG/AMP guideline.

NM_001399.5(EDA):c.743dup (p.Ala249fs)

Gene: EDA (ectodysplasin A; plus strand). Cytogenetic location: Xq13.1.
Variant type: Duplication.
Coding change: c.743dup on transcript NM_001399.5 (MANE Select); coding-DNA position 743, one base duplicated (C; older notation c.743dupC).
Protein change: p.Ala249fs; shifts the reading frame from alanine 249.
Molecular consequence: frameshift variant.
Genome position (GRCh38, 1-based): chrX:70,030,470, C duplicated; the last of 2 consecutive C bases (chrX:70,030,469-70,030,470); duplicating either gives the same sequence. VCF-style (leftmost placement, unchanged base first): chrX-70030468-G-GC. GRCh37 (hg19) VCF-style: chrX-69250318-G-GC.
Other names: c.743dup, p.Ala249fs (NM_001005609.2, NM_001005612.3, NM_001440761.1 and 1 more transcripts); short protein forms A249fs.
Identifiers: ClinVar variation 4855148 (VCV004855148.1).